The following is an entry in ClinVar:

ClinVar aggregate classification (germline): Likely benign. Review status: criteria provided, multiple submitters, no conflicts (2 of 4 stars). 2 submissions from 2 submitters: Likely benign (2). Last evaluated 2018-06-19.

Allele frequency attached by ClinVar (database versions not stated): 1000 Genomes Project 0.00779; 1000 Genomes Project 30x 0.00843; TOPMed 0.01456; gnomAD 0.01685 and 0.01735; gnomAD exomes 0.02400.
gnomAD v4.1: 28,605 of 1,244,694 alleles (2.3%); highest among the groups gnomAD compares: Non-Finnish European, 2.7%; 427 homozygotes.

Submissions (2):

GeneDx
Classification: Likely benign. Last evaluated: 2018-06-19. Review status: criteria provided, single submitter. Criteria: GeneDx Variant Classification (06012015). Collection method: clinical testing. Allele origin: germline. Affected: yes.
Comment: This variant is considered likely benign or benign based on one or more of the following criteria: it is a conservative change, it occurs at a poorly conserved position in the protein, it is predicted to be benign by multiple in silico algorithms, and/or has population frequency not consistent with disease.

Breakthrough Genomics
Classification: Likely benign. Review status: criteria provided, single submitter. Criteria: ACMG Guidelines, 2015. Collection method: not provided. Allele origin: germline. Inheritance: Autosomal dominant inheritance. Affected: yes.

NM_003238.6(TGFB2):c.511-127C>A

Gene: TGFB2 (transforming growth factor beta 2; plus strand). Cytogenetic location: 1q41.
Variant type: single nucleotide variant.
Coding change: c.511-127C>A on transcript NM_003238.6 (MANE Select); 127 bases into the intron before coding-DNA position 511, C replaced by A.
Molecular consequence: intron variant.
Genome position (GRCh38, 1-based): chr1:218,433,955, C>A. VCF-style: chr1-218433955-C-A. GRCh37 (hg19) VCF-style: chr1-218607297-C-A.
Other names: c.595-127C>A (NM_001135599.4).
Identifiers: ClinVar variation 674535 (VCV000674535.2), dbSNP rs10482808, ClinGen allele CA37618837.